The following is an entry in ClinVar:

NM_032816.5(CEP89):c.2321A>G (p.Tyr774Cys)

Gene: CEP89 (centrosomal protein 89; minus strand). Cytogenetic location: 19q13.11.
Variant type: single nucleotide variant.
Coding change: c.2321A>G on transcript NM_032816.5 (MANE Select); coding-DNA position 2321, A replaced by G.
Protein change: p.Tyr774Cys; replaces tyrosine 774 with cysteine.
Molecular consequence: missense variant.
Genome position (GRCh38, 1-based): chr19:32,879,193, T>C on the plus strand (A>G on the coding strand, the complement: CEP89 is on the minus strand). VCF-style: chr19-32879193-T-C. GRCh37 (hg19) VCF-style: chr19-33370099-T-C.
Other names: short protein forms Y774C.
Identifiers: ClinVar variation 2414916 (VCV002414916.6), dbSNP rs202084887, ClinGen allele CA9359024.
Genomic context (GRCh38, chr19:32,879,193, plus strand): 5'-GGAGGCTACACCACGGGCTCCCGCAGATTCTAGCAGGTGGGGGCATGAGACTTCAGGTCA[T>C]AGGAGCAGACATCGCAGCCGTCCAGCAGGTCTGCCTGAGAGACGCCATTGAGGCTGGGGG-3'
Protein context (NP_116205.3, residues 764-783): DLLDGCDVCS[Tyr774Cys]DLKSHAPTC

ClinVar aggregate classification (germline): Uncertain significance (1 of 4 stars; one submission).

Allele frequency attached by ClinVar (database versions not stated): gnomAD exomes 0.00002; ExAC 0.00003; TOPMed 0.00003; gnomAD 0.00004.
gnomAD v4.1: 41 of 1,613,804 alleles (0.0025%); highest among the groups gnomAD compares: Middle Eastern, 0.017%; no homozygotes.

Submission:

Labcorp Genetics (formerly Invitae), Labcorp
Classification: Uncertain significance. Last evaluated: 2023-01-16. Review status: criteria provided, single submitter. Criteria: Invitae Variant Classification Sherloc (09022015). Collection method: clinical testing. Allele origin: germline.
Comment: In summary, the available evidence is currently insufficient to determine the role of this variant in disease. Therefore, it has been classified as a Variant of Uncertain Significance. Algorithms developed to predict the effect of missense changes on protein structure and function output the following: SIFT: "Tolerated"; PolyPhen-2: "Benign"; Align-GVGD: "Class C0". The cysteine amino acid residue is found in multiple mammalian species, which suggests that this missense change does not adversely affect protein function. This variant has not been reported in the literature in individuals affected with CEP89-related conditions. This variant is present in population databases (rs202084887, gnomAD 0.006%). This sequence change replaces tyrosine, which is neutral and polar, with cysteine, which is neutral and slightly polar, at codon 774 of the CEP89 protein (p.Tyr774Cys).